The following is an entry in ClinVar:

NM_001278669.2(NFATC1):c.2092+5C>T

Gene: NFATC1 (nuclear factor of activated T cells 1; plus strand). Cytogenetic location: 18q23.
Variant type: single nucleotide variant.
Coding change: c.2092+5C>T on transcript NM_001278669.2 (MANE Select); 5 bases into the intron after coding-DNA position 2092, C replaced by T.
Molecular consequence: intron variant. On other transcripts: synonymous variant (2).
Genome position (GRCh38, 1-based): chr18:79,467,587, C>T. VCF-style: chr18-79467587-C-T. GRCh37 (hg19) VCF-style: chr18-77227587-C-T.
Other names: c.2058C>T, p.Asn686= (NM_001278675.2); c.2097C>T, p.Asn699= (NM_172390.3); c.2092+5C>T (NM_006162.5, NM_001278670.2); c.676+5C>T (NM_172388.3, NM_001278673.2); c.2053+5C>T (NM_172387.3, NM_172389.3, NM_001278672.2).
Identifiers: ClinVar variation 3613773 (VCV003613773.2).

ClinVar aggregate classification (germline): Uncertain significance (1 of 4 stars; one submission).

gnomAD v4.1: 28 of 1,613,856 alleles (0.0017%); highest among the groups gnomAD compares: East Asian, 0.0045%; no homozygotes.

Submission:

Labcorp Genetics (formerly Invitae), Labcorp
Classification: Uncertain significance. Last evaluated: 2024-03-31. Review status: criteria provided, single submitter. Criteria: Invitae Variant Classification Sherloc (09022015). Collection method: clinical testing. Allele origin: germline.
Comment: This sequence change falls in intron 8 of the NFATC1 gene. It does not directly change the encoded amino acid sequence of the NFATC1 protein. It affects a nucleotide within the consensus splice site. This variant is present in population databases (rs765588607, gnomAD 0.002%). This variant has not been reported in the literature in individuals affected with NFATC1-related conditions. Variants that disrupt the consensus splice site are a relatively common cause of aberrant splicing (PMID: 17576681, 9536098). Algorithms developed to predict the effect of sequence changes on RNA splicing suggest that this variant is not likely to affect RNA splicing. In summary, the available evidence is currently insufficient to determine the role of this variant in disease. Therefore, it has been classified as a Variant of Uncertain Significance.

Literature cited by the submitters: PubMed 17576681; PubMed 9536098.